The following is an entry in ClinVar:

ClinVar aggregate classification (germline): Uncertain significance. Review status: criteria provided, multiple submitters, no conflicts (2 of 4 stars). 2 submissions from 2 submitters: Uncertain significance (2). Last evaluated 2024-10-11.

Conditions:
Hereditary cancer-predisposing syndrome. Also called: Hereditary neoplastic syndrome; Hereditary Cancer Syndrome; Neoplastic Syndromes, Hereditary; Tumor predisposition. Identifiers: Orphanet 140162, MedGen C0027672, MeSH D009386, MONDO:0015356.
Neuroblastoma, susceptibility to, 3. Also called: ALK-Related Neuroblastic Tumor Susceptibility. Identifiers: Orphanet 635, MedGen C2751681, MONDO:0013083, OMIM 613014.

Submissions (2):

Ambry Genetics
Classification: Uncertain significance for Hereditary cancer-predisposing syndrome. Last evaluated: 2024-10-11. Review status: criteria provided, single submitter. Criteria: Ambry Variant Classification Scheme 2023. Collection method: clinical testing. Allele origin: germline.
Comment: The p.H1490Q variant (also known as c.4470C>G), located in coding exon 29 of the ALK gene, results from a C to G substitution at nucleotide position 4470. The histidine at codon 1490 is replaced by glutamine, an amino acid with highly similar properties. This amino acid position is conserved. In addition, this alteration is predicted to be tolerated by in silico analysis. Based on the available evidence, the clinical significance of this variant remains unclear.

Labcorp Genetics (formerly Invitae), Labcorp
Classification: Uncertain significance for Neuroblastoma, susceptibility to, 3. Last evaluated: 2022-04-22. Review status: criteria provided, single submitter. Criteria: Invitae Variant Classification Sherloc (09022015). Collection method: clinical testing. Allele origin: germline.
Comment: In summary, the available evidence is currently insufficient to determine the role of this variant in disease. Therefore, it has been classified as a Variant of Uncertain Significance. Algorithms developed to predict the effect of sequence changes on RNA splicing suggest that this variant may create or strengthen a splice site. Algorithms developed to predict the effect of missense changes on protein structure and function are either unavailable or do not agree on the potential impact of this missense change (SIFT: "Deleterious"; PolyPhen-2: "Benign"; Align-GVGD: "Class C0"). This variant has not been reported in the literature in individuals affected with ALK-related conditions. This variant is not present in population databases (gnomAD no frequency). This sequence change replaces histidine, which is basic and polar, with glutamine, which is neutral and polar, at codon 1490 of the ALK protein (p.His1490Gln).

NM_004304.5(ALK):c.4470C>G (p.His1490Gln)

Gene: ALK (ALK receptor tyrosine kinase; minus strand). Cytogenetic location: 2p23.2.
Variant type: single nucleotide variant.
Coding change: c.4470C>G on transcript NM_004304.5 (MANE Select); coding-DNA position 4470, C replaced by G.
Protein change: p.His1490Gln; replaces histidine 1490 with glutamine.
Molecular consequence: missense variant.
Genome position (GRCh38, 1-based): chr2:29,193,617, G>C on the plus strand (C>G on the coding strand, the complement: ALK is on the minus strand). VCF-style: chr2-29193617-G-C. GRCh37 (hg19) VCF-style: chr2-29416483-G-C.
Other names: c.4470C>G (NM_004304.4); c.1266C>G, p.His422Gln (NM_001353765.2); short protein forms H1490Q, H422Q.
Identifiers: ClinVar variation 1372332 (VCV001372332.7), dbSNP rs1573078434, ClinGen allele CA346461980.